The following is an entry in ClinVar:

ClinVar aggregate classification (germline): Likely pathogenic. Review status: criteria provided, single submitter (1 of 4 stars). 2 submissions from 2 submitters: Likely pathogenic (1). 1 of the submissions does not count toward it. Last evaluated 2023-05-20.

Conditions:
von Willebrand disease type 3 (VWD3). Also called: Type 3 Von Willebrand's disease; Type 3 VWD; Von Willebrand disease, severe form; V WD3; VON WILLEBRAND DISEASE, TYPE III. Identifiers: Orphanet 166096, MedGen C1264041, MONDO:0010191, OMIM 277480.

Submissions (2):

Neuberg Centre For Genomic Medicine, NCGM
Classification: Likely pathogenic for von Willebrand disease type 3. Last evaluated: 2023-05-20. Review status: criteria provided, single submitter. Criteria: ACMG Guidelines, 2015. Collection method: clinical testing. Allele origin: germline. Inheritance: Autosomal recessive inheritance. Affected: yes.
Comment: The observed stop gained c.212C>A(p.Ser71Ter) variant in VWF gene has been reported previously in homozygous state in individual(s) affected with Type 3 von Willebrand disease (vWD) (Ruan C., 2002). This variant is absent in gnomAD Exomes. This variant has been reported to the ClinVar database as interpretation not provided. This variant is predicted to cause loss of normal protein function either through protein truncation or nonsense-mediated mRNA decay. Loss of function variants have been previously reported to be disease causing. Computational evidence (MutationTaster - Disease causing automatic) predicts damaging effect on protein structure and function for this variant. For these reasons, this variant has been classified as Likely Pathogenic.

Academic Unit of Haematology, University of Sheffield
No classification provided. Review status: no classification provided. Collection method: not provided. Allele origin: not provided. Not counted in ClinVar's aggregate classification.

NM_000552.5(VWF):c.212C>A (p.Ser71Ter)

Gene: VWF (von Willebrand factor; minus strand). Cytogenetic location: 12p13.31.
Variant type: single nucleotide variant.
Coding change: c.212C>A on transcript NM_000552.5 (MANE Select); coding-DNA position 212, C replaced by A.
Protein change: p.Ser71Ter; replaces serine 71 with a stop codon.
Molecular consequence: nonsense.
Genome position (GRCh38, 1-based): chr12:6,121,182, G>T on the plus strand (C>A on the coding strand, the complement: VWF is on the minus strand). VCF-style: chr12-6121182-G-T. GRCh37 (hg19) VCF-style: chr12-6230348-G-T.
Other names: short protein forms S71*.
Identifiers: ClinVar variation 100204 (VCV000100204.2), dbSNP rs62643619, ClinGen allele CA228310.